The following is an entry in ClinVar:

NM_001174096.2(ZEB1):c.976C>T (p.Arg326Ter)

Gene: ZEB1 (zinc finger E-box binding homeobox 1; plus strand). Cytogenetic location: 10p11.22.
Variant type: single nucleotide variant.
Coding change: c.976C>T on transcript NM_001174096.2 (MANE Select); coding-DNA position 976, C replaced by T.
Protein change: p.Arg326Ter; replaces arginine 326 with a stop codon.
Molecular consequence: nonsense.
Genome position (GRCh38, 1-based): chr10:31,520,308, C>T. VCF-style: chr10-31520308-C-T. GRCh37 (hg19) VCF-style: chr10-31809236-C-T.
Other names: c.925C>T, p.Arg309Ter (NM_001128128.3); c.913C>T, p.Arg305Ter (NM_001174093.2); c.922C>T, p.Arg308Ter (NM_001174094.2); c.772C>T, p.Arg258Ter (NM_001174095.2); c.319C>T, p.Arg107Ter (NM_001323638.2, NM_001323641.2, NM_001323642.2 and 27 more transcripts); c.751C>T, p.Arg251Ter (NM_001323674.2); c.709C>T, p.Arg237Ter (NM_001323675.2); c.934C>T, p.Arg312Ter (NM_001323676.2); and 3 more; short protein forms R325*, R237*, R305*, R311*, R251*, R309*, R234*, R107*.
Identifiers: ClinVar variation 374184 (VCV000374184.33), dbSNP rs1057518956, ClinGen allele CA16043448.

ClinVar aggregate classification (germline): Pathogenic. Review status: criteria provided, multiple submitters, no conflicts (2 of 4 stars). 5 submissions from 5 submitters: Pathogenic (5). Last evaluated 2025-08-05.

Conditions:
Inborn genetic diseases. Identifiers: MedGen C0950123, MeSH D030342.
Posterior polymorphous corneal dystrophy. Also called: CORNEAL DYSTROPHY, HEREDITARY POLYMORPHOUS POSTERIOR; Polymorphous corneal dystrophy. Identifiers: Orphanet 98973, MedGen C0339284, MONDO:0020364, HP:0007915.
Visual loss. Also called: Abnormal vision. Identifiers: MedGen C3665386, HP:0000572.
Glaucoma. Identifiers: MedGen C0017601, MONDO:0005041, HP:0000501.

Allele frequency attached by ClinVar (database versions not stated): gnomAD exomes below 0.00001.
gnomAD v4.1: 2 of 1,613,960 alleles (0.00012%); highest among the groups gnomAD compares: Non-Finnish European, 0.00017%; no homozygotes.

Submissions (5):

Ambry Genetics
Classification: Pathogenic for Inborn genetic diseases. Last evaluated: 2025-08-05. Review status: criteria provided, single submitter. Criteria: Ambry Variant Classification Scheme 2023. Collection method: clinical testing. Allele origin: germline.
Comment: The c.973C>T (p.R325*) alteration, located in exon 7 (coding exon 7) of the ZEB1 gene, consists of a C to T substitution at nucleotide position 973. This changes the amino acid from a arginine (R) to a stop codon at amino acid position 325. This alteration is expected to result in loss of function by premature protein truncation or nonsense-mediated mRNA decay. This variant was not reported in population-based cohorts in the Genome Aggregation Database (gnomAD). This variant was reported in individual(s) with features consistent with ZEB1-related posterior polymorphous corneal dystrophy (Aldave, 2007). Based on the available evidence, this alteration is classified as pathogenic.

Labcorp Genetics (formerly Invitae), Labcorp
Classification: Pathogenic. Last evaluated: 2025-02-22. Review status: criteria provided, single submitter. Criteria: Invitae Variant Classification Sherloc (09022015). Collection method: clinical testing. Allele origin: germline.
Comment: This sequence change creates a premature translational stop signal (p.Arg325*) in the ZEB1 gene. It is expected to result in an absent or disrupted protein product. Loss-of-function variants in ZEB1 are known to be pathogenic (PMID: 16252232, 17935237, 30851240). This variant is not present in population databases (gnomAD no frequency). This premature translational stop signal has been observed in individual(s) with posterior polymorphous corneal dystrophy (PMID: 17935237). ClinVar contains an entry for this variant (Variation ID: 374184). For these reasons, this variant has been classified as Pathogenic.

CeGaT Center for Human Genetics Tuebingen
Classification: Pathogenic. Last evaluated: 2023-06-01. Review status: criteria provided, single submitter. Criteria: CeGaT Center For Human Genetics Tuebingen Variant Classification Criteria Version 2. Collection method: clinical testing. Allele origin: germline. Affected: yes. Observed: 1 variant allele.
Comment: ZEB1: PVS1, PM2, PS3:Supporting

GeneDx
Classification: Pathogenic. Last evaluated: 2021-11-08. Review status: criteria provided, single submitter. Criteria: GeneDx Variant Classification Process June 2021. Collection method: clinical testing. Allele origin: germline. Affected: yes.
Comment: Published functional studies demonstrate a damaging effect (Chung et al., 2016); Nonsense variant predicted to result in protein truncation or nonsense mediated decay in a gene for which loss-of-function is a known mechanism of disease; Not observed in large population cohorts (Lek et al., 2016); This variant is associated with the following publications: (PMID: 25190660, 27537263, 17935237, 19337156, 25525159)

Centre for Mendelian Genomics, University Medical Centre Ljubljana
Classification: Pathogenic for Glaucoma; Posterior polymorphous corneal dystrophy; Visual loss. Last evaluated: 2014-01-14. Review status: criteria provided, single submitter. Criteria: ACMG Guidelines, 2015. Collection method: clinical testing. Allele origin: unknown. Affected: yes.

Literature cited by the submitters: PubMed 17935237 (cited by Ambry Genetics and Labcorp Genetics (formerly Invitae), Labcorp); PubMed 16252232 (cited by Labcorp Genetics (formerly Invitae), Labcorp); PubMed 30851240 (cited by Labcorp Genetics (formerly Invitae), Labcorp).